The following is an entry in ClinVar:

ClinVar aggregate classification (germline): Uncertain significance (1 of 4 stars; one submission).

Conditions:
Inborn genetic diseases. Identifiers: MedGen C0950123, MeSH D030342.

gnomAD v4.1: 1 of 1,612,320 alleles (0.000062%); highest among the groups gnomAD compares: South Asian, 0.0011%; no homozygotes.

Submission:

Ambry Genetics
Classification: Uncertain significance for Inborn genetic diseases. Last evaluated: 2026-08-23. Review status: criteria provided, single submitter. Criteria: Ambry Variant Classification Scheme 2023. Collection method: clinical testing. Allele origin: germline.
Comment: The p.Q1130R variant (also known as c.3389A>G), located in coding exon 32 of the RTEL1 gene, results from an A to G substitution at nucleotide position 3389. The glutamine at codon 1130 is replaced by arginine, an amino acid with highly similar properties. This amino acid position is conserved. In addition, the in silico prediction for this alteration is inconclusive. Based on the available evidence, the clinical significance of this variant remains unclear.

NM_001283009.2(RTEL1):c.3389A>G (p.Gln1130Arg)

Genes: RTEL1 (regulator of telomere elongation helicase 1; plus strand), RTEL1-TNFRSF6B (RTEL1-TNFRSF6B readthrough (NMD candidate); plus strand). Cytogenetic location: 20q13.33.
Variant type: single nucleotide variant.
Coding change: c.3389A>G on transcript NM_001283009.2 (MANE Select); coding-DNA position 3389, A replaced by G.
Protein change: p.Gln1130Arg; replaces glutamine 1130 with arginine.
Molecular consequence: missense variant. On other transcripts: non-coding transcript variant (1).
Genome position (GRCh38, 1-based): chr20:63,695,111, A>G. VCF-style: chr20-63695111-A-G. GRCh37 (hg19) VCF-style: chr20-62326464-A-G.
Other names: c.2720A>G, p.Gln907Arg (NM_001283010.1); c.3389A>G, p.Gln1130Arg (NM_016434.4); c.3461A>G, p.Gln1154Arg (NM_032957.5); short protein forms Q1130R, Q1154R, Q907R.
Identifiers: ClinVar variation 5028521 (VCV005028521.1).